The following is an entry in ClinVar:

NM_001130009.3(GEN1):c.2047T>G (p.Ser683Ala)

Gene: GEN1 (GEN1 Holliday junction 5' flap endonuclease; plus strand). Cytogenetic location: 2p24.2.
Variant type: single nucleotide variant.
Coding change: c.2047T>G on transcript NM_001130009.3 (MANE Select); coding-DNA position 2047, T replaced by G.
Protein change: p.Ser683Ala; replaces serine 683 with alanine.
Molecular consequence: missense variant.
Genome position (GRCh38, 1-based): chr2:17,781,259, T>G. VCF-style: chr2-17781259-T-G. GRCh37 (hg19) VCF-style: chr2-17962526-T-G.
Other names: c.2047T>G, p.Ser683Ala (NM_182625.5); short protein forms S683A.
Identifiers: ClinVar variation 3853507 (VCV003853507.1).

ClinVar aggregate classification (germline): Uncertain significance (1 of 4 stars; one submission).

Submission:

Ambry Genetics
Classification: Uncertain significance. Last evaluated: 2025-01-13. Review status: criteria provided, single submitter. Criteria: Ambry Variant Classification Scheme 2023. Collection method: clinical testing. Allele origin: germline.
Comment: The p.S683A variant (also known as c.2047T>G), located in coding exon 13 of the GEN1 gene, results from a T to G substitution at nucleotide position 2047. The serine at codon 683 is replaced by alanine, an amino acid with similar properties. This amino acid position is conserved. In addition, this alteration is predicted to be tolerated by in silico analysis. Based on the available evidence, the clinical significance of this variant remains unclear.